The following is an entry in ClinVar:

ClinVar aggregate classification (germline): Conflicting classifications of pathogenicity. Review status: criteria provided, conflicting classifications (1 of 4 stars). 10 submissions from 10 submitters: Uncertain significance (4); Likely benign (2). 4 of the submissions do not count toward it. Last evaluated 2026-02-01.

Conditions:
PKHD1-related disorder. Also called: PKHD1-related condition.
Autosomal recessive polycystic kidney disease (ARPKD). Also called: AR polycystic kidney disease. Identifiers: Orphanet 731, Orphanet 8378, MedGen C0085548, MeSH D017044, MONDO:0009889.

Allele frequency attached by ClinVar (database versions not stated): 1000 Genomes Project 30x 0.00031; 1000 Genomes Project 0.00040; gnomAD exomes 0.00060 and 0.00102; ExAC 0.00063; TOPMed 0.00093; gnomAD 0.00099 and 0.00101; ESP Exome Variant Server 0.00161.
gnomAD v4.1: 1,641 of 1,614,014 alleles (0.1%); highest among the groups gnomAD compares: Non-Finnish European, 0.12%; 3 homozygotes.

Submissions (10):

Labcorp Genetics (formerly Invitae), Labcorp
Classification: Likely benign for Autosomal recessive polycystic kidney disease. Last evaluated: 2026-02-01. Review status: criteria provided, single submitter. Criteria: Invitae Variant Classification Sherloc (09022015). Collection method: clinical testing. Allele origin: germline.

PreventionGenetics, part of Exact Sciences
Classification: Likely benign for PKHD1-related condition. Last evaluated: 2024-10-11. Review status: criteria provided, single submitter. Criteria: ACMG Guidelines, 2015. Collection method: clinical testing. Allele origin: germline.
Comment: This variant is classified as likely benign based on ACMG/AMP sequence variant interpretation guidelines (Richards et al. 2015 PMID: 25741868, with internal and published modifications).

Blueprint Genetics
Classification: Uncertain significance. Last evaluated: 2024-09-12. Review status: criteria provided, single submitter. Criteria: ACMG Guidelines, 2015. Collection method: clinical testing. Allele origin: germline.

GeneDx
Classification: Uncertain significance. Last evaluated: 2024-05-31. Review status: criteria provided, single submitter. Criteria: GeneDx Variant Classification Process June 2021. Collection method: clinical testing. Allele origin: germline. Affected: yes.
Comment: Identified in a patient with progressive cholestatic liver disease and is reported to harbor an additional variant in another gene in published literature (PMID: Goel (2024)_article); In silico analysis supports that this missense variant does not alter protein structure/function; This variant is associated with the following publications: (PMID: 19914852, 33282801, Goel (2024)_article)

Eurofins Ntd Llc (ga)
Classification: Uncertain significance. Last evaluated: 2018-08-03. Review status: criteria provided, single submitter. Criteria: EGL ClinVar v180209 classification definitions. Collection method: clinical testing. Allele origin: germline. Observed: 8 variant alleles, 8 heterozygotes.

Illumina Laboratory Services, Illumina
Classification: Uncertain significance for Polycystic kidney disease 4. Last evaluated: 2018-01-13. Review status: criteria provided, single submitter. Criteria: ICSL Variant Classification Criteria 13 December 2019. Collection method: clinical testing. Allele origin: germline.

Natera, Inc.
Classification: Likely benign for Autosomal recessive polycystic kidney disease. Last evaluated: 2020-06-02. Review status: no assertion criteria provided. Collection method: clinical testing. Allele origin: germline. Not counted in ClinVar's aggregate classification.

Clinical Genetics DNA and cytogenetics Diagnostics Lab, Erasmus MC, Erasmus Medical Center
Classification: Likely benign. Review status: no assertion criteria provided. Collection method: clinical testing. Allele origin: germline. Affected: yes. Study: VKGL Data-share Consensus. Not counted in ClinVar's aggregate classification.

Department of Pathology and Laboratory Medicine, Sinai Health System
Classification: Likely benign. Review status: no assertion criteria provided. Collection method: clinical testing. Allele origin: unknown. Affected: yes. Study: The Canadian Open Genetics Repository (COGR). Not counted in ClinVar's aggregate classification.
Comment: The PKHD1 p.Arg92Gln variant was not identified in the literature nor was it identified in Cosmic or the RWTH AAachen University ARPKD database. The variant was identified in dbSNP (ID: rs145886657), ClinVar (classified as a VUS by Illumina and EGL Diagnostics for autosomal recessive polycystic kidney disease) and LOVD 3.0 (classified as likely benign by the VKGL data sharing initiative Nederland). The variant was identified in control databases in 184 of 282636 chromosomes (1 homozygous) at a frequency of 0.000651 increasing the likelihood this could be a low frequency benign variant (Genome Aggregation Database Feb 27, 2017). The variant was observed in the following populations: African in 30 of 24960 chromosomes (freq: 0.001202), European (non-Finnish) in 120 of 128986 chromosomes (freq: 0.00093), Other in 6 of 7214 chromosomes (freq: 0.000832), European (Finnish) in 16 of 25116 chromosomes (freq: 0.000637) and Latino in 12 of 35434 chromosomes (freq: 0.000339); it was not observed in the Ashkenazi Jewish, East Asian and South Asian populations. The p.Arg92 residue is not conserved in mammals and computational analyses (PolyPhen-2, SIFT, AlignGVGD, BLOSUM, MutationTaster) do not suggest a high likelihood of impact to the protein; however, this information is not predictive enough to rule out pathogenicity. The variant occurs outside of the splicing consensus sequence and 3 of 4 in silico or computational prediction software programs (SpliceSiteFinder, NNSPLICE, GeneSplicer) do not predict a difference in splicing. In summary, based on the above information the clinical significance of this variant cannot be determined with certainty at this time. This variant is classified as a variant of uncertain significance.

Laboratory of Diagnostic Genome Analysis, Leiden University Medical Center (LUMC)
Classification: Likely benign. Review status: no assertion criteria provided. Collection method: clinical testing. Allele origin: germline. Affected: yes. Study: VKGL Data-share Consensus. Not counted in ClinVar's aggregate classification.

NM_138694.4(PKHD1):c.275G>A (p.Arg92Gln)

Gene: PKHD1 (PKHD1 ciliary IPT domain containing fibrocystin/polyductin; minus strand). Cytogenetic location: 6p12.2.
Variant type: single nucleotide variant.
Coding change: c.275G>A on transcript NM_138694.4 (MANE Select); coding-DNA position 275, G replaced by A.
Protein change: p.Arg92Gln; replaces arginine 92 with glutamine.
Molecular consequence: missense variant.
Genome position (GRCh38, 1-based): chr6:52,082,398, C>T on the plus strand (G>A on the coding strand, the complement: PKHD1 is on the minus strand). VCF-style: chr6-52082398-C-T. GRCh37 (hg19) VCF-style: chr6-51947196-C-T.
Other names: c.275G>A, p.Arg92Gln (NM_170724.3); short protein forms R92Q.
Identifiers: ClinVar variation 357457 (VCV000357457.32), dbSNP rs145886657, ClinGen allele CA3853984.